The following is an entry in ClinVar:

NM_001146.5(ANGPT1):c.811T>G (p.Leu271Val)

Gene: ANGPT1 (angiopoietin 1; minus strand). Cytogenetic location: 8q23.1.
Variant type: single nucleotide variant.
Coding change: c.811T>G on transcript NM_001146.5 (MANE Select); coding-DNA position 811, T replaced by G.
Protein change: p.Leu271Val; replaces leucine 271 with valine.
Molecular consequence: missense variant.
Genome position (GRCh38, 1-based): chr8:107,303,365, A>C on the plus strand (T>G on the coding strand, the complement: ANGPT1 is on the minus strand). VCF-style: chr8-107303365-A-C. GRCh37 (hg19) VCF-style: chr8-108315593-A-C.
Other names: c.808T>G, p.Leu270Val (NM_001199859.3); c.211T>G, p.Leu71Val (NM_001314051.2); short protein forms L71V, L271V, L270V.
Identifiers: ClinVar variation 2772528 (VCV002772528.3), dbSNP rs1586204670, ClinGen allele CA372033490.
Genomic context (GRCh38, chr8:107,303,365, plus strand): 5'-GATATACATCTGCACAGTCTCTAAATGGTTTCTCTTCCTCTCTTTTTCCTCCCTTTAGTA[A>C]AACTGCAAAAAAAAAAAAAAAGATTGCAATATGTGAATATCAGTACCATTAGTAGCCAAA-3'
Protein context (NP_001137.2, residues 261-281): LVNLCTKEGV[Leu271Val]LKGGKREEEK

ClinVar aggregate classification (germline): Uncertain significance (1 of 4 stars; one submission).

Allele frequency attached by ClinVar (database versions not stated): gnomAD exomes below 0.00001.
gnomAD v4.1: 1 of 1,569,814 alleles (0.000064%); highest among the groups gnomAD compares: African/African-American, 0.0016%; no homozygotes.

Submission:

Labcorp Genetics (formerly Invitae), Labcorp
Classification: Uncertain significance. Last evaluated: 2023-10-28. Review status: criteria provided, single submitter. Criteria: Invitae Variant Classification Sherloc (09022015). Collection method: clinical testing. Allele origin: germline.
Comment: This sequence change replaces leucine, which is neutral and non-polar, with valine, which is neutral and non-polar, at codon 271 of the ANGPT1 protein (p.Leu271Val). This variant is not present in population databases (gnomAD no frequency). This variant has not been reported in the literature in individuals affected with ANGPT1-related conditions. An algorithm developed to predict the effect of missense changes on protein structure and function (PolyPhen-2) suggests that this variant is likely to be tolerated. In summary, the available evidence is currently insufficient to determine the role of this variant in disease. Therefore, it has been classified as a Variant of Uncertain Significance.